The following is an entry in ClinVar:

ClinVar aggregate classification (germline): Likely pathogenic (1 of 4 stars; one submission).

Conditions:
Myopathy, proximal, and ophthalmoplegia (CMYO6). Also called: INCLUSION BODY MYOPATHY 3, AUTOSOMAL DOMINANT; CONGENITAL MYOPATHY 6 WITH OPHTHALMOPLEGIA; MYOPATHY WITH CONGENITAL JOINT CONTRACTURES, OPHTHALMOPLEGIA, AND RIMMED VACUOLES. Identifiers: Orphanet 363677, Orphanet 79091, MedGen C1854106, MONDO:0011577, OMIM 605637.

gnomAD v4.1: 1 of 1,614,064 alleles (0.000062%); no homozygotes.

Submission:

Variantyx, Inc.
Classification: Likely pathogenic for Myopathy, proximal, and ophthalmoplegia. Last evaluated: 2025-05-13. Review status: criteria provided, single submitter. Criteria: Variantyx Assertion Criteria 2022. Collection method: clinical testing. Allele origin: germline. Inheritance: Autosomal dominant inheritance. Affected: no.
Comment: This is a nonsense variant in the MYH2 gene (OMIM: 160740). Pathogenic variants in this gene have been associated with autosomal recessive congenital myopathy 6 with ophthalmoplegia. This variant introduces a premature termination codon in exon 32 out of 40 and is expected to result in loss of function, which is a known disease mechanism for MYH2 in this disorder (PVS1)(PMID:20418530;23388406). This variant is absent from control populations (PM2), and it has not been reported in individuals with MYH2-related disorders in the databases available for review. Based on the current evidence, this variant is classified as likely pathogenic for autosomal recessive congenital myopathy 6 with ophthalmoplegia.

Literature cited by the submitters: PubMed 20418530; PubMed 23388406.

NM_017534.6(MYH2):c.4534C>T (p.Gln1512Ter)

Genes: MYH2 (myosin heavy chain 2; minus strand), MYHAS (myosin heavy chain gene cluster antisense RNA; plus strand), LOC126862500 (BRD4-independent group 4 enhancer GRCh37_chr17:10427829-10429028; plus strand). Cytogenetic location: 17p13.1.
Variant type: single nucleotide variant.
Coding change: c.4534C>T on transcript NM_017534.6 (MANE Select); coding-DNA position 4534, C replaced by T.
Protein change: p.Gln1512Ter; replaces glutamine 1512 with a stop codon.
Molecular consequence: nonsense.
Genome position (GRCh38, 1-based): chr17:10,525,454, G>A on the plus strand (C>T on the coding strand, the complement: MYH2 is on the minus strand). VCF-style: chr17-10525454-G-A. GRCh37 (hg19) VCF-style: chr17-10428771-G-A.
Other names: c.4534C>T, p.Gln1512Ter (NM_001100112.2); short protein forms Q1512*.
Identifiers: ClinVar variation 4850812 (VCV004850812.1).